The following is an entry in ClinVar:

NM_006158.5(NEFL):c.757G>T (p.Asp253Tyr)

Gene: NEFL (neurofilament light chain; minus strand). Cytogenetic location: 8p21.2.
Variant type: single nucleotide variant.
Coding change: c.757G>T on transcript NM_006158.5 (MANE Select); coding-DNA position 757, G replaced by T.
Protein change: p.Asp253Tyr; replaces aspartic acid 253 with tyrosine.
Molecular consequence: missense variant.
Genome position (GRCh38, 1-based): chr8:24,955,759, C>A on the plus strand (G>T on the coding strand, the complement: NEFL is on the minus strand). VCF-style: chr8-24955759-C-A. GRCh37 (hg19) VCF-style: chr8-24813273-C-A.
Other names: short protein forms D253Y.
Identifiers: ClinVar variation 4764818 (VCV004764818.1).

ClinVar aggregate classification (germline): Uncertain significance (1 of 4 stars; one submission).

Conditions:
Charcot-Marie-Tooth disease type 2E (CMT2E). Also called: CHARCOT-MARIE-TOOTH DISEASE, AXONAL, TYPE 2E; CHARCOT-MARIE-TOOTH NEUROPATHY, TYPE 2E. Identifiers: Orphanet 99939, MedGen C1843225, MONDO:0011894, OMIM 607684.

Submission:

Labcorp Genetics (formerly Invitae), Labcorp
Classification: Uncertain significance for Charcot-Marie-Tooth disease type 2E. Last evaluated: 2025-07-26. Review status: criteria provided, single submitter. Criteria: Invitae Variant Classification Sherloc (09022015). Collection method: clinical testing. Allele origin: germline.
Comment: This sequence change replaces aspartic acid, which is acidic and polar, with tyrosine, which is neutral and polar, at codon 253 of the NEFL protein (p.Asp253Tyr). This variant is present in population databases (rs747071811, gnomAD 0.01%). This variant has not been reported in the literature in individuals affected with NEFL-related conditions. Invitae Evidence Modeling of protein sequence and biophysical properties (such as structural, functional, and spatial information, amino acid conservation, physicochemical variation, residue mobility, and thermodynamic stability) indicates that this missense variant is expected to disrupt NEFL protein function with a positive predictive value of 80%. In summary, the available evidence is currently insufficient to determine the role of this variant in disease. Therefore, it has been classified as a Variant of Uncertain Significance.